The following is an entry in ClinVar:

ClinVar aggregate classification (somatic clinical impact): Tier II - Potential (1 of 4 stars; one submission).

Conditions:
Posterior fossa group B ependymoma. Identifiers: MedGen CN377575, MONDO:0956993.

Submission:

Institute for Genomic Medicine (IGM) Clinical Laboratory, Nationwide Children's Hospital
Classification: Tier II - Potential for Posterior fossa group B ependymoma. Assertion type: diagnostic. Clinical significance: supports diagnosis. Last evaluated: 2023-08-22. Review status: criteria provided, single submitter. Criteria: AMP/ASCO/CAP Guidelines, 2017. Collection method: clinical testing. Allele origin: somatic. Affected: yes.
Comment: Variant has Tier II (potential) clinical significance as a diagnostic inclusion criterion in posterior fossa group B ependymoma, based on the following evidence: 1) Assists in diagnosis alone or along with other biomarkers based on small studies or few case reports (Evidence Level D; PMIDs: 30588243, 28726821, 34194626, 34336928).

Literature cited by the submitters: PubMed 30588243; PubMed 28726821; PubMed 34194626; PubMed 34336928.

NM_003482.4(KMT2D):c.805C>T (p.Gln269Ter)

Gene: KMT2D (lysine methyltransferase 2D; minus strand). Cytogenetic location: 12q13.12.
Variant type: single nucleotide variant.
Coding change: c.805C>T on transcript NM_003482.4 (MANE Select); coding-DNA position 805, C replaced by T.
Protein change: p.Gln269Ter; replaces glutamine 269 with a stop codon.
Molecular consequence: nonsense.
Genome position (GRCh38, 1-based): chr12:49,053,510, G>A on the plus strand (C>T on the coding strand, the complement: KMT2D is on the minus strand). VCF-style: chr12-49053510-G-A. GRCh37 (hg19) VCF-style: chr12-49447293-G-A.
Other names: short protein forms Q269*.
Identifiers: ClinVar variation 4530505 (VCV004530505.1).